The following is an entry in ClinVar:

NM_003036.4(SKI):c.1477A>G (p.Thr493Ala)

Gene: SKI (SKI proto-oncogene; plus strand). Cytogenetic location: 1p36.32.
Variant type: single nucleotide variant.
Coding change: c.1477A>G on transcript NM_003036.4 (MANE Select); coding-DNA position 1477, A replaced by G.
Protein change: p.Thr493Ala; replaces threonine 493 with alanine.
Molecular consequence: missense variant.
Genome position (GRCh38, 1-based): chr1:2,304,295, A>G. VCF-style: chr1-2304295-A-G. GRCh37 (hg19) VCF-style: chr1-2235734-A-G.
Other names: short protein forms T493A.
Identifiers: ClinVar variation 4750002 (VCV004750002.1).

ClinVar aggregate classification (germline): Uncertain significance (1 of 4 stars; one submission).

Conditions:
Shprintzen-Goldberg syndrome (SGS). Also called: Marfanoid disorder with craniosynostosis type 1; Marfanoid craniosynostosis syndrome; Shprintzen-Goldberg marfanoid syndrome; SHPRINTZEN-GOLDBERG CRANIOSYNOSTOSIS SYNDROME; CRANIOSYNOSTOSIS WITH ARACHNODACTYLY AND ABDOMINAL HERNIAS. Identifiers: Orphanet 2462, MedGen C1321551, MONDO:0008426, OMIM 182212.

Submission:

Labcorp Genetics (formerly Invitae), Labcorp
Classification: Uncertain significance for Shprintzen-Goldberg syndrome. Last evaluated: 2025-11-22. Review status: criteria provided, single submitter. Criteria: Invitae Variant Classification Sherloc (09022015). Collection method: clinical testing. Allele origin: germline.
Comment: This sequence change replaces threonine, which is neutral and polar, with alanine, which is neutral and non-polar, at codon 493 of the SKI protein (p.Thr493Ala). This variant is not present in population databases (gnomAD no frequency). This variant has not been reported in the literature in individuals affected with SKI-related conditions. Invitae Evidence Modeling of protein sequence and biophysical properties (such as structural, functional, and spatial information, amino acid conservation, physicochemical variation, residue mobility, and thermodynamic stability) indicates that this missense variant is not expected to disrupt SKI protein function with a negative predictive value of 95%. In summary, the available evidence is currently insufficient to determine the role of this variant in disease. Therefore, it has been classified as a Variant of Uncertain Significance.